The following is an entry in ClinVar:

NM_016824.5(ADD3):c.2067C>G (p.Phe689Leu)

Gene: ADD3 (adducin 3; plus strand). Cytogenetic location: 10q25.2.
Variant type: single nucleotide variant.
Coding change: c.2067C>G on transcript NM_016824.5 (MANE Select); coding-DNA position 2067, C replaced by G.
Protein change: p.Phe689Leu; replaces phenylalanine 689 with leucine.
Molecular consequence: missense variant.
Genome position (GRCh38, 1-based): chr10:110,133,564, C>G. VCF-style: chr10-110133564-C-G. GRCh37 (hg19) VCF-style: chr10-111893322-C-G.
Other names: c.1971C>G, p.Phe657Leu (NM_001121.4, NM_019903.5); c.2067C>G, p.Phe689Leu (NM_001320591.2, NM_001320592.2, NM_001320593.2); c.1833C>G, p.Phe611Leu (NM_001320594.2); short protein forms F611L, F657L, F689L.
Identifiers: ClinVar variation 1715022 (VCV001715022.3), dbSNP rs2496417000, ClinGen allele CA378384838.

ClinVar aggregate classification (germline): Uncertain significance (1 of 4 stars; one submission).

Allele frequency attached by ClinVar (database versions not stated): gnomAD exomes below 0.00001.
gnomAD v4.1: 1 of 1,608,884 alleles (0.000062%); highest among the groups gnomAD compares: Non-Finnish European, 0.000085%; no homozygotes.

Submission:

Labcorp Genetics (formerly Invitae), Labcorp
Classification: Uncertain significance. Last evaluated: 2022-08-05. Review status: criteria provided, single submitter. Criteria: Invitae Variant Classification Sherloc (09022015). Collection method: clinical testing. Allele origin: germline.
Comment: This sequence change replaces phenylalanine, which is neutral and non-polar, with leucine, which is neutral and non-polar, at codon 689 of the ADD3 protein (p.Phe689Leu). This variant is not present in population databases (gnomAD no frequency). This variant has not been reported in the literature in individuals affected with ADD3-related conditions. Experimental studies and prediction algorithms are not available or were not evaluated, and the functional significance of this variant is currently unknown. In summary, the available evidence is currently insufficient to determine the role of this variant in disease. Therefore, it has been classified as a Variant of Uncertain Significance.